The following is an entry in ClinVar:

NM_000081.4(LYST):c.1184G>A (p.Arg395His)

Gene: LYST (lysosomal trafficking regulator; minus strand). Cytogenetic location: 1q42.3.
Variant type: single nucleotide variant.
Coding change: c.1184G>A on transcript NM_000081.4 (MANE Select); coding-DNA position 1184, G replaced by A.
Protein change: p.Arg395His; replaces arginine 395 with histidine.
Molecular consequence: missense variant.
Genome position (GRCh38, 1-based): chr1:235,809,634, C>T on the plus strand (G>A on the coding strand, the complement: LYST is on the minus strand). VCF-style: chr1-235809634-C-T. GRCh37 (hg19) VCF-style: chr1-235972934-C-T.
Other names: c.1184G>A (NM_000081.2); c.1184G>A, p.Arg395His (NM_001301365.1); short protein forms R395H.
Identifiers: ClinVar variation 1428658 (VCV001428658.6), dbSNP rs199704748, ClinGen allele CA1467499.

ClinVar aggregate classification (germline): Uncertain significance. Review status: criteria provided, multiple submitters, no conflicts (2 of 4 stars). 3 submissions from 3 submitters: Uncertain significance (2). 1 of the submissions does not count toward it. Last evaluated 2025-10-24.

Conditions:
Inborn genetic diseases. Identifiers: MedGen C0950123, MeSH D030342.
Chédiak-Higashi syndrome (CHS). Also called: Chediak-Higashi Syndrome. Identifiers: Orphanet 167, MedGen C0007965, MONDO:0008963, OMIM 214500.

Allele frequency attached by ClinVar (database versions not stated): ExAC 0.00003; TOPMed 0.00003; gnomAD 0.00007; 1000 Genomes Project 30x 0.00016; 1000 Genomes Project 0.00020.
gnomAD v4.1: 46 of 1,614,042 alleles (0.0028%); highest among the groups gnomAD compares: African/African-American, 0.024%; no homozygotes.

Submissions (3):

Ambry Genetics
Classification: Uncertain significance for Inborn genetic diseases. Last evaluated: 2025-10-24. Review status: criteria provided, single submitter. Criteria: Ambry Variant Classification Scheme 2023. Collection method: clinical testing. Allele origin: germline.

Labcorp Genetics (formerly Invitae), Labcorp
Classification: Uncertain significance for Chédiak-Higashi syndrome. Last evaluated: 2025-07-30. Review status: criteria provided, single submitter. Criteria: Invitae Variant Classification Sherloc (09022015). Collection method: clinical testing. Allele origin: germline.
Comment: This sequence change replaces arginine, which is basic and polar, with histidine, which is basic and polar, at codon 395 of the LYST protein (p.Arg395His). This variant is present in population databases (rs199704748, gnomAD 0.01%). This variant has not been reported in the literature in individuals affected with LYST-related conditions. ClinVar contains an entry for this variant (Variation ID: 1428658). Invitae Evidence Modeling of protein sequence and biophysical properties (such as structural, functional, and spatial information, amino acid conservation, physicochemical variation, residue mobility, and thermodynamic stability) indicates that this missense variant is not expected to disrupt LYST protein function with a negative predictive value of 80%. In summary, the available evidence is currently insufficient to determine the role of this variant in disease. Therefore, it has been classified as a Variant of Uncertain Significance.

ISTH-SSC Genomics in Thrombosis and Hemostasis, KU Leuven, Center for Molecular and Vascular Biology
Classification: Uncertain significance for Chédiak-Higashi syndrome. Review status: no assertion criteria provided. Collection method: research. Allele origin: unknown. Affected: yes. Not counted in ClinVar's aggregate classification.
Comment: Submitted to GoldVariant by Dr Marie-Christine Morel-Kopp from Northern Blood Research Centre, Sydney, Australia